The following is an entry in ClinVar:

NM_012472.6(DNAAF11):c.4G>C (p.Gly2Arg)

Gene: DNAAF11 (dynein axonemal assembly factor 11; minus strand). Cytogenetic location: 8q24.22.
Variant type: single nucleotide variant.
Coding change: c.4G>C on transcript NM_012472.6 (MANE Select); coding-DNA position 4, G replaced by C.
Protein change: p.Gly2Arg; replaces glycine 2 with arginine.
Molecular consequence: missense variant. On other transcripts: 5 prime UTR variant (4), non-coding transcript variant (10).
Genome position (GRCh38, 1-based): chr8:132,675,490, C>G on the plus strand (G>C on the coding strand, the complement: DNAAF11 is on the minus strand). VCF-style: chr8-132675490-C-G. GRCh37 (hg19) VCF-style: chr8-133687736-C-G.
Other names: c.4G>C, p.Gly2Arg (NM_001321961.2, NM_001321962.2); c.-917G>C (NM_001321963.2); c.-1283G>C (NM_001321964.2); c.-1596G>C (NM_001321965.2); c.-567G>C (NM_001321966.2); c.4G>C (NM_012472.3); short protein forms G2R.
Identifiers: ClinVar variation 1681049 (VCV001681049.9), dbSNP rs527926539, ClinGen allele CA4881537.
Genomic context (GRCh38, chr8:132,675,490, plus strand): 5'-GGGACTACTTCCACAAGGGGAACGATCGAGGACGGAAGGTGGAGGGGGGCTTACTCCAGC[C>G]CATGGCGCCTCTCCAGTTCGCTGACCCCGCAAGCCGGACCCGGACCTCGAATGACGCTTT-3'
Protein context (NP_036604.2, residues 1-12): M[Gly2Arg]WITEDLIRRN

ClinVar aggregate classification (germline): Uncertain significance. Review status: criteria provided, multiple submitters, no conflicts (2 of 4 stars). 2 submissions from 2 submitters: Uncertain significance (2). Last evaluated 2026-05-14.

Conditions:
Primary ciliary dyskinesia. Also called: Ciliary dyskinesia. Identifiers: Orphanet 244, MedGen C0008780, MONDO:0016575, HP:0012265.
Primary ciliary dyskinesia 19. Also called: CILIARY DYSKINESIA, PRIMARY, 19, WITH OR WITHOUT SITUS INVERSUS. Identifiers: Orphanet 244, MedGen C3543826, MONDO:0013979, OMIM 614935.

Allele frequency attached by ClinVar (database versions not stated): gnomAD exomes below 0.00001; TOPMed below 0.00001; ExAC 0.00001.
gnomAD v4.1: 1 of 1,568,104 alleles (0.000064%); highest among the groups gnomAD compares: Non-Finnish European, 0.000087%; no homozygotes.

Submissions (2):

Ambry Genetics
Classification: Uncertain significance for Primary ciliary dyskinesia. Last evaluated: 2026-05-14. Review status: criteria provided, single submitter. Criteria: Ambry Variant Classification Scheme 2023. Collection method: clinical testing. Allele origin: germline.
Comment: The p.G2R variant (also known as c.4G>C), located in coding exon 1 of the LRRC6 gene, results from a G to C substitution at nucleotide position 4. The glycine at codon 2 is replaced by arginine, an amino acid with dissimilar properties. This amino acid position is highly conserved in available vertebrate species. In addition, this alteration is predicted to be tolerated by in silico analysis. Based on the available evidence, the clinical significance of this variant remains unclear.

Labcorp Genetics (formerly Invitae), Labcorp
Classification: Uncertain significance for Primary ciliary dyskinesia 19. Last evaluated: 2024-02-17. Review status: criteria provided, single submitter. Criteria: Invitae Variant Classification Sherloc (09022015). Collection method: clinical testing. Allele origin: germline.
Comment: This sequence change replaces glycine, which is neutral and non-polar, with arginine, which is basic and polar, at codon 2 of the LRRC6 protein (p.Gly2Arg). This variant is present in population databases (rs527926539, gnomAD 0.001%). This variant has not been reported in the literature in individuals affected with LRRC6-related conditions. ClinVar contains an entry for this variant (Variation ID: 1681049). An algorithm developed to predict the effect of missense changes on protein structure and function (PolyPhen-2) suggests that this variant is likely to be tolerated. In summary, the available evidence is currently insufficient to determine the role of this variant in disease. Therefore, it has been classified as a Variant of Uncertain Significance.